The following is an entry in ClinVar:

NM_130837.3(OPA1):c.110C>T (p.Ser37Leu)

Gene: OPA1 (OPA1 mitochondrial dynamin like GTPase; plus strand). Cytogenetic location: 3q29.
Variant type: single nucleotide variant.
Coding change: c.110C>T on transcript NM_130837.3 (MANE Select); coding-DNA position 110, C replaced by T.
Protein change: p.Ser37Leu; replaces serine 37 with leucine.
Molecular consequence: missense variant. On other transcripts: 5 prime UTR variant (2).
Genome position (GRCh38, 1-based): chr3:193,614,800, C>T. VCF-style: chr3-193614800-C-T. GRCh37 (hg19) VCF-style: chr3-193332589-C-T.
Other names: c.-263C>T (NM_001354663.2, NM_001354664.2); c.110C>T, p.Ser37Leu (NM_015560.3, NM_130831.3, NM_130832.3 and 4 more transcripts); short protein forms S37L.
Identifiers: ClinVar variation 2654359 (VCV002654359.25), dbSNP rs149756039, ClinGen allele CA90567010.

ClinVar aggregate classification (germline): Uncertain significance. Review status: criteria provided, multiple submitters, no conflicts (2 of 4 stars). 2 submissions from 2 submitters: Uncertain significance (2). Last evaluated 2023-10-27.

Allele frequency attached by ClinVar (database versions not stated): gnomAD exomes below 0.00001; TOPMed 0.00002; ESP Exome Variant Server 0.00008.
gnomAD v4.1: 3 of 1,606,706 alleles (0.00019%); highest among the groups gnomAD compares: Non-Finnish European, 0.00026%; no homozygotes.

Submissions (2):

GeneDx
Classification: Uncertain significance. Last evaluated: 2023-10-27. Review status: criteria provided, single submitter. Criteria: GeneDx Variant Classification Process June 2021. Collection method: clinical testing. Allele origin: germline. Affected: yes.
Comment: Not observed at significant frequency in large population cohorts (gnomAD); In silico analysis supports that this missense variant does not alter protein structure/function; Has not been previously published as pathogenic or benign to our knowledge

CeGaT Center for Human Genetics Tuebingen
Classification: Uncertain significance. Last evaluated: 2022-03-01. Review status: criteria provided, single submitter. Criteria: CeGaT Center For Human Genetics Tuebingen Variant Classification Criteria Version 2. Collection method: clinical testing. Allele origin: germline. Affected: yes. Observed: 1 variant allele.
Comment: OPA1: PM2